The following is an entry in ClinVar:

ClinVar aggregate classification (germline): Likely benign (1 of 4 stars; one submission).

Allele frequency attached by ClinVar (database versions not stated): 1000 Genomes Project 0.00120; 1000 Genomes Project 30x 0.00156; TOPMed 0.00276; ExAC 0.00339; gnomAD 0.00344; ESP Exome Variant Server 0.00369; gnomAD exomes 0.00461.
gnomAD v4.1: 7,196 of 1,613,138 alleles (0.45%); highest among the groups gnomAD compares: Non-Finnish European, 0.52%; 20 homozygotes.

Submissions (6):

CeGaT Center for Human Genetics Tuebingen
Classification: Likely benign. Last evaluated: 2023-01-01. Review status: criteria provided, single submitter. Criteria: CeGaT Center For Human Genetics Tuebingen Variant Classification Criteria Version 2. Collection method: clinical testing. Allele origin: germline. Affected: yes. Observed: 1 variant allele.
Comment: UBE4B: BS2

Dr. Peter K. Rogan Lab, Western University
No classification provided (evidence only). Condition: Acute myeloid leukemia. Review status: no classification provided. Collection method: in vitro. Allele origin: not applicable. Functional consequence: retained intron. Not counted in ClinVar's aggregate classification.

Dr. Peter K. Rogan Lab, Western University
No classification provided (evidence only). Condition: Malignant tumor of esophagus. Review status: no classification provided. Collection method: in vitro. Allele origin: not applicable. Functional consequence: retained intron. Not counted in ClinVar's aggregate classification.

Dr. Peter K. Rogan Lab, Western University
No classification provided (evidence only). Condition: Acute myeloid leukemia. Review status: no classification provided. Collection method: in vitro. Allele origin: not applicable. Functional consequence: skipped exon, retained intron. Not counted in ClinVar's aggregate classification.

Dr. Peter K. Rogan Lab, Western University
No classification provided (evidence only). Condition: Ovarian serous cystadenocarcinoma. Review status: no classification provided. Collection method: in vitro. Allele origin: not applicable. Functional consequence: retained intron. Not counted in ClinVar's aggregate classification.

Dr. Peter K. Rogan Lab, Western University
No classification provided (evidence only). Condition: Sarcoma. Review status: no classification provided. Collection method: in vitro. Allele origin: not applicable. Functional consequence: retained intron. Not counted in ClinVar's aggregate classification.

NM_001105562.3(UBE4B):c.435+12A>G

Gene: UBE4B (ubiquitination factor E4B; plus strand). Cytogenetic location: 1p36.22.
Variant type: single nucleotide variant.
Coding change: c.435+12A>G on transcript NM_001105562.3 (MANE Select); 12 bases into the intron after coding-DNA position 435, A replaced by G.
Molecular consequence: intron variant.
Genome position (GRCh38, 1-based): chr1:10,101,207, A>G. VCF-style: chr1-10101207-A-G. GRCh37 (hg19) VCF-style: chr1-10161265-A-G.
Other names: NC_000001.10:g.10161265A>G; c.435+12A>G (NM_006048.5, NM_001410744.1).
Identifiers: ClinVar variation 2638195 (VCV002638195.25), dbSNP rs189262553, ClinGen allele CA579621.